The following is an entry in ClinVar:

NM_001194.4(HCN2):c.1801C>G (p.Leu601Val)

Gene: HCN2 (hyperpolarization activated cyclic nucleotide gated potassium and sodium channel 2; plus strand). Cytogenetic location: 19p13.3.
Variant type: single nucleotide variant.
Coding change: c.1801C>G on transcript NM_001194.4 (MANE Select); coding-DNA position 1801, C replaced by G.
Protein change: p.Leu601Val; replaces leucine 601 with valine.
Molecular consequence: missense variant.
Genome position (GRCh38, 1-based): chr19:613,464, C>G. VCF-style: chr19-613464-C-G. GRCh37 (hg19) VCF-style: chr19-613464-C-G.
Other names: short protein forms L601V.
Identifiers: ClinVar variation 4526784 (VCV004526784.1).

ClinVar aggregate classification (germline): Likely benign (1 of 4 stars; one submission).

Submission:

Centre for Clinical Genetics and Genomic Diagnostics, Zealand University Hospital
Classification: Likely benign. Last evaluated: 2025-03-13. Review status: criteria provided, single submitter. Criteria: ACMG Guidelines, 2015. Collection method: clinical testing. Allele origin: germline.
Comment: Reclassified from VUS